The following is an entry in ClinVar:

NM_002872.5(RAC2):c.44G>A (p.Gly15Asp)

Gene: RAC2 (Rac family small GTPase 2; minus strand). Cytogenetic location: 22q13.1.
Variant type: single nucleotide variant.
Coding change: c.44G>A on transcript NM_002872.5 (MANE Select); coding-DNA position 44, G replaced by A.
Protein change: p.Gly15Asp; replaces glycine 15 with aspartic acid.
Molecular consequence: missense variant.
Genome position (GRCh38, 1-based): chr22:37,241,650, C>T on the plus strand (G>A on the coding strand, the complement: RAC2 is on the minus strand). VCF-style: chr22-37241650-C-T. GRCh37 (hg19) VCF-style: chr22-37637690-C-T.
Other names: short protein forms G15D.
Identifiers: ClinVar variation 3637788 (VCV003637788.2).

ClinVar aggregate classification (germline): Uncertain significance (1 of 4 stars; one submission).

Conditions:
Neutrophil immunodeficiency syndrome. Also called: Immunodeficiency 73A with defective neutrophil chemotaxis and leukocytosis. Identifiers: Orphanet 183707, MedGen C1842398, MONDO:0011988, OMIM 608203.

Submission:

Labcorp Genetics (formerly Invitae), Labcorp
Classification: Uncertain significance for Neutrophil immunodeficiency syndrome. Last evaluated: 2024-02-02. Review status: criteria provided, single submitter. Criteria: Invitae Variant Classification Sherloc (09022015). Collection method: clinical testing. Allele origin: germline.
Comment: This sequence change replaces glycine, which is neutral and non-polar, with aspartic acid, which is acidic and polar, at codon 15 of the RAC2 protein (p.Gly15Asp). This variant is not present in population databases (gnomAD no frequency). This missense change has been observed in individual(s) with combined immunodefciency (PMID: 36459342). Advanced modeling of protein sequence and biophysical properties (such as structural, functional, and spatial information, amino acid conservation, physicochemical variation, residue mobility, and thermodynamic stability) performed at Invitae indicates that this missense variant is expected to disrupt RAC2 protein function with a positive predictive value of 95%. In summary, the available evidence is currently insufficient to determine the role of this variant in disease. Therefore, it has been classified as a Variant of Uncertain Significance.

Literature cited by the submitters: PubMed 36459342.